The following is an entry in ClinVar:

NM_002427.4(MMP13):c.124T>C (p.Tyr42His)

Genes: MMP13 (matrix metallopeptidase 13; minus strand), LOC126861318 (BRD4-independent group 4 enhancer GRCh37_chr11:102825894-102827093; plus strand). Cytogenetic location: 11q22.2.
Variant type: single nucleotide variant.
Coding change: c.124T>C on transcript NM_002427.4 (MANE Select); coding-DNA position 124, T replaced by C.
Protein change: p.Tyr42His; replaces tyrosine 42 with histidine.
Molecular consequence: missense variant.
Genome position (GRCh38, 1-based): chr11:102,955,490, A>G on the plus strand (T>C on the coding strand, the complement: MMP13 is on the minus strand). VCF-style: chr11-102955490-A-G. GRCh37 (hg19) VCF-style: chr11-102826219-A-G.
Other names: short protein forms Y42H.
Identifiers: ClinVar variation 2130846 (VCV002130846.4), dbSNP rs112742775, ClinGen allele CA227376915.

ClinVar aggregate classification (germline): Uncertain significance (1 of 4 stars; one submission).

Submission:

Labcorp Genetics (formerly Invitae), Labcorp
Classification: Uncertain significance. Last evaluated: 2022-04-26. Review status: criteria provided, single submitter. Criteria: Invitae Variant Classification Sherloc (09022015). Collection method: clinical testing. Allele origin: germline.
Comment: In summary, the available evidence is currently insufficient to determine the role of this variant in disease. Therefore, it has been classified as a Variant of Uncertain Significance. Algorithms developed to predict the effect of missense changes on protein structure and function are either unavailable or do not agree on the potential impact of this missense change (SIFT: "Deleterious"; PolyPhen-2: "Probably Damaging"; Align-GVGD: "Class C0"). This variant has not been reported in the literature in individuals affected with MMP13-related conditions. This variant is not present in population databases (gnomAD no frequency). This sequence change replaces tyrosine, which is neutral and polar, with histidine, which is basic and polar, at codon 42 of the MMP13 protein (p.Tyr42His).